The following is an entry in ClinVar:

NM_001382391.1(CSPP1):c.2812G>C (p.Asp938His)

Gene: CSPP1 (centrosome and spindle pole associated protein 1; plus strand). Cytogenetic location: 8q13.2.
Variant type: single nucleotide variant.
Coding change: c.2812G>C on transcript NM_001382391.1 (MANE Select); coding-DNA position 2812, G replaced by C.
Protein change: p.Asp938His; replaces aspartic acid 938 with histidine.
Molecular consequence: missense variant.
Genome position (GRCh38, 1-based): chr8:67,164,492, G>C. VCF-style: chr8-67164492-G-C. GRCh37 (hg19) VCF-style: chr8-68076727-G-C.
Other names: c.1762G>C, p.Asp588His (NM_001291339.2); c.2731G>C, p.Asp911His (NM_001363131.2); c.2617G>C, p.Asp873His (NM_001363132.2); c.2536G>C, p.Asp846His (NM_001363133.2); c.2878G>C, p.Asp960His (NM_001364869.1); c.2698G>C, p.Asp900His (NM_001364870.1); c.2797G>C, p.Asp933His (NM_024790.7); short protein forms D873H, D933H, D938H, D960H, D588H, D846H, D900H, D911H.
Identifiers: ClinVar variation 1047729 (VCV001047729.8), dbSNP rs1402959828, ClinGen allele CA371193515.
Genomic context (GRCh38, chr8:67,164,492, plus strand): 5'-AAACAGCTTCGTAGTGAAGAGAGGCGTCTACAAGAGCGATTGCTACACATGGACAGTGAT[G>C]ATGAAATTCCTATCAGGCAAGTTTAGAATTGCAGTTTTTGTGTTCGCTTGAGTTCTTTTA-3'
Protein context (NP_001369320.1, residues 928-948): QERLLHMDSD[Asp938His]EIPIRKKERN

ClinVar aggregate classification (germline): Uncertain significance (1 of 4 stars; one submission).

Conditions:
Joubert syndrome 21 (JBTS21). Identifiers: MedGen C3810212, MONDO:0014288, OMIM 615636.

Submission:

Labcorp Genetics (formerly Invitae), Labcorp
Classification: Uncertain significance for Joubert syndrome 21. Last evaluated: 2024-11-05. Review status: criteria provided, single submitter. Criteria: Invitae Variant Classification Sherloc (09022015). Collection method: clinical testing. Allele origin: germline.
Comment: This sequence change replaces aspartic acid, which is acidic and polar, with histidine, which is basic and polar, at codon 933 of the CSPP1 protein (p.Asp933His). This variant is not present in population databases (gnomAD no frequency). This variant has not been reported in the literature in individuals affected with CSPP1-related conditions. ClinVar contains an entry for this variant (Variation ID: 1047729). An algorithm developed to predict the effect of missense changes on protein structure and function (PolyPhen-2) suggests that this variant is likely to be disruptive. In summary, the available evidence is currently insufficient to determine the role of this variant in disease. Therefore, it has been classified as a Variant of Uncertain Significance.